The following is an entry in ClinVar:

NM_003467.3(CXCR4):c.287T>G (p.Val96Gly)

Gene: CXCR4 (C-X-C motif chemokine receptor 4; minus strand). Cytogenetic location: 2q22.1.
Variant type: single nucleotide variant.
Coding change: c.287T>G on transcript NM_003467.3 (MANE Select); coding-DNA position 287, T replaced by G.
Protein change: p.Val96Gly; replaces valine 96 with glycine.
Molecular consequence: missense variant.
Genome position (GRCh38, 1-based): chr2:136,115,641, A>C on the plus strand (T>G on the coding strand, the complement: CXCR4 is on the minus strand). VCF-style: chr2-136115641-A-C. GRCh37 (hg19) VCF-style: chr2-136873211-A-C.
Other names: c.299T>G, p.Val100Gly (NM_001008540.2); c.500T>G, p.Val167Gly (NM_001348056.2); c.386T>G, p.Val129Gly (NM_001348059.2); c.242T>G, p.Val81Gly (NM_001348060.2); short protein forms V100G, V129G, V167G, V81G, V96G.
Identifiers: ClinVar variation 3766804 (VCV003766804.1).

ClinVar aggregate classification (germline): Uncertain significance (1 of 4 stars; one submission).

Submission:

ARUP Laboratories, Molecular Genetics and Genomics, ARUP Laboratories
Classification: Uncertain significance. Last evaluated: 2024-08-27. Review status: criteria provided, single submitter. Criteria: ARUP Molecular Germline Variant Investigation Process 2024. Collection method: clinical testing. Allele origin: germline.
Comment: The CXCR4 c.287T>G; p.Val96Gly variant (rs1397762931), to our knowledge, is not reported in the medical literature or gene specific databases. This variant is only observed on one allele in the Genome Aggregation Database (v2.1.1), indicating it is not a common polymorphism. Computational analyses predict that this variant is deleterious (REVEL: 0.85). Due to limited information, the clinical significance of this variant is uncertain at this time.